The following is an entry in ClinVar:

ClinVar aggregate classification (germline): Uncertain significance (1 of 4 stars; one submission).

Conditions:
D-2-hydroxyglutaric aciduria 1 (D2HGA1). Identifiers: Orphanet 79315, MedGen C3152055, MONDO:0024554, OMIM 600721.

Submission:

Labcorp Genetics (formerly Invitae), Labcorp
Classification: Uncertain significance for D-2-hydroxyglutaric aciduria 1. Last evaluated: 2022-09-12. Review status: criteria provided, single submitter. Criteria: Invitae Variant Classification Sherloc (09022015). Collection method: clinical testing. Allele origin: germline.
Comment: In summary, the available evidence is currently insufficient to determine the role of this variant in disease. Therefore, it has been classified as a Variant of Uncertain Significance. Advanced modeling of protein sequence and biophysical properties (such as structural, functional, and spatial information, amino acid conservation, physicochemical variation, residue mobility, and thermodynamic stability) performed at Invitae indicates that this missense variant is expected to disrupt D2HGDH protein function. ClinVar contains an entry for this variant (Variation ID: 1511456). This variant has not been reported in the literature in individuals affected with D2HGDH-related conditions. This variant is not present in population databases (gnomAD no frequency). This sequence change replaces serine, which is neutral and polar, with phenylalanine, which is neutral and non-polar, at codon 405 of the D2HGDH protein (p.Ser405Phe).

NM_152783.5(D2HGDH):c.1214C>T (p.Ser405Phe)

Gene: D2HGDH (D-2-hydroxyglutarate dehydrogenase; plus strand). Cytogenetic location: 2q37.3.
Variant type: single nucleotide variant.
Coding change: c.1214C>T on transcript NM_152783.5 (MANE Select); coding-DNA position 1214, C replaced by T.
Protein change: p.Ser405Phe; replaces serine 405 with phenylalanine.
Molecular consequence: missense variant. On other transcripts: non-coding transcript variant (1).
Genome position (GRCh38, 1-based): chr2:241,755,922, C>T. VCF-style: chr2-241755922-C-T. GRCh37 (hg19) VCF-style: chr2-242695337-C-T.
Other names: c.812C>T, p.Ser271Phe (NM_001287249.2); c.653C>T, p.Ser218Phe (NM_001352824.2); short protein forms S271F, S218F, S405F.
Identifiers: ClinVar variation 1511456 (VCV001511456.6), dbSNP rs1698116237, ClinGen allele CA351412255.